The following is an entry in ClinVar:

NM_001743.6(CALM2):c.131C>G (p.Pro44Arg)

Gene: CALM2 (calmodulin 2; minus strand). Cytogenetic location: 2p21.
Variant type: single nucleotide variant.
Coding change: c.131C>G on transcript NM_001743.6 (MANE Select); coding-DNA position 131, C replaced by G.
Protein change: p.Pro44Arg; replaces proline 44 with arginine.
Molecular consequence: missense variant.
Genome position (GRCh38, 1-based): chr2:47,162,566, G>C on the plus strand (C>G on the coding strand, the complement: CALM2 is on the minus strand). VCF-style: chr2-47162566-G-C. GRCh37 (hg19) VCF-style: chr2-47389705-G-C.
Other names: c.275C>G, p.Pro92Arg (NM_001305624.1); c.23C>G, p.Pro8Arg (NM_001305625.2, NM_001305626.1); short protein forms P44R, P8R, P92R.
Identifiers: ClinVar variation 3221772 (VCV003221772.1), dbSNP rs2465709286, ClinGen allele CA346719932.

ClinVar aggregate classification (germline): Uncertain significance (1 of 4 stars; one submission).

Conditions:
Cardiovascular phenotype. Identifiers: MedGen CN230736.

Submission:

Ambry Genetics
Classification: Uncertain significance for Cardiovascular phenotype. Last evaluated: 2023-11-09. Review status: criteria provided, single submitter. Criteria: Ambry Variant Classification Scheme 2023. Collection method: clinical testing. Allele origin: germline.
Comment: The p.P44R variant (also known as c.131C>G), located in coding exon 3 of the CALM2 gene, results from a C to G substitution at nucleotide position 131. The proline at codon 44 is replaced by arginine, an amino acid with dissimilar properties. This amino acid position is conserved. In addition, this alteration is predicted to be deleterious by in silico analysis. Since supporting evidence is limited at this time, the clinical significance of this alteration remains unclear.